The following is an entry in ClinVar:

NM_001083962.2(TCF4):c.514_517del (p.Lys172fs)

Gene: TCF4 (transcription factor 4; minus strand). Cytogenetic location: 18q21.2.
Variant type: Microsatellite.
Coding change: c.514_517del on transcript NM_001083962.2 (MANE Select); coding-DNA positions 514 to 517, 4 bases deleted (AAAG; older notation c.514_517delAAAG).
Protein change: p.Lys172fs; shifts the reading frame from lysine 172.
Molecular consequence: frameshift variant.
Genome position (GRCh38, 1-based): chr18:55,350,391-55,350,394, CTTT deleted on the plus strand (AAAG on the coding strand, the reverse complement: TCF4 is on the minus strand); deleting any 4 consecutive bases within chr18:55,350,391-55,350,398 gives the same sequence; the c. name uses the placement nearest the transcript's 3' end. VCF-style (leftmost placement, unchanged base first): chr18-55350390-ACTTT-A. GRCh37 (hg19) VCF-style: chr18-53017621-ACTTT-A.
Other names: c.820_823del, p.Lys274fs (NM_001243226.3); c.442_445del, p.Lys148fs (NM_001243227.2, NM_001369580.1, NM_001369582.1 and 9 more transcripts); c.514_517del, p.Lys172fs (NM_001243228.2, NM_003199.3, NM_001330604.3 and 5 more transcripts); c.508_511del, p.Lys170fs (NM_001243230.2); c.388_391del, p.Lys130fs (NM_001243231.2, NM_001348211.2); c.301_304del, p.Lys101fs (NM_001243232.1, NM_001306208.1); c.439_442del, p.Lys147fs (NM_001369581.1, NM_001369584.1, NM_001369585.1 and 3 more transcripts); c.124_127del, p.Lys42fs (NM_001243233.2, NM_001330605.3, NM_001348212.2 and 1 more transcripts); and 1 more; short protein forms K42fs, K147fs, K274fs, K130fs, K101fs, K172fs, K148fs, K170fs.
Identifiers: ClinVar variation 93545 (VCV000093545.55), dbSNP rs398123561, ClinGen allele CA266822.

ClinVar aggregate classification (germline): Pathogenic. Review status: criteria provided, multiple submitters, no conflicts (2 of 4 stars). 10 submissions from 10 submitters: Pathogenic (10). Last evaluated 2025-02-19.

Conditions:
Neurodevelopmental disorder. Identifiers: MedGen C1535926, MeSH D065886, MONDO:0700092.
Pitt-Hopkins syndrome (PTHS). Also called: ENCEPHALOPATHY, SEVERE EPILEPTIC, WITH AUTONOMIC DYSFUNCTION; MENTAL RETARDATION, SYNDROMAL, WITH INTERMITTENT HYPERVENTILATION. Identifiers: Orphanet 2896, MedGen C1970431, MONDO:0012589, OMIM 610954.
Intellectual disability. Also called: Intellectual functioning disability; intellectual disabilities; Intellectual developmental disorder. Identifiers: MedGen C3714756, MeSH D008607, MONDO:0001071, HP:0001249.

Submissions (10):

Institute of Immunology and Genetics Kaiserslautern
Classification: Pathogenic for Pitt-Hopkins syndrome. Last evaluated: 2025-02-19. Review status: criteria provided, single submitter. Criteria: ACMG Guidelines, 2015. Collection method: clinical testing. Allele origin: de novo. Affected: yes.
Comment: ACMG Criteria: PVS1, PS2, PM2, PP5; Variant was found in heterozygous state. De novo-status was confirmed via in-house segregation analysis.

Labcorp Genetics (formerly Invitae), Labcorp
Classification: Pathogenic for Pitt-Hopkins syndrome. Last evaluated: 2024-12-23. Review status: criteria provided, single submitter. Criteria: Invitae Variant Classification Sherloc (09022015). Collection method: clinical testing. Allele origin: germline.
Comment: This sequence change creates a premature translational stop signal (p.Lys172Phefs*61) in the TCF4 gene. It is expected to result in an absent or disrupted protein product. Loss-of-function variants in TCF4 are known to be pathogenic (PMID: 18728071, 22045651). This variant is not present in population databases (gnomAD no frequency). This premature translational stop signal has been observed in individual(s) with Pitt-Hopkins syndrome (PMID: 22045651). For these reasons, this variant has been classified as Pathogenic.

GeneDx
Classification: Pathogenic. Last evaluated: 2022-08-28. Review status: criteria provided, single submitter. Criteria: GeneDx Variant Classification Process June 2021. Collection method: clinical testing. Allele origin: germline. Affected: yes.
Comment: Frameshift variant predicted to result in protein truncation or nonsense mediated decay in a gene for which loss-of-function is a known mechanism of disease; Not observed at significant frequency in large population cohorts (gnomAD); This variant is associated with the following publications: (PMID: 22045651, 25167861, 31105003, 32959227, 26147798, 28569743, 25780760, 22722829, 31785789, 22460224)

CeGaT Center for Human Genetics Tuebingen
Classification: Pathogenic. Last evaluated: 2021-06-01. Review status: criteria provided, single submitter. Criteria: CeGaT Center For Human Genetics Tuebingen Variant Classification Criteria Version 2. Collection method: clinical testing. Allele origin: germline. Affected: yes. Observed: 1 variant allele.

Laboratory of Molecular Genetics (Pr. Bezieau's lab), CHU de Nantes
Classification: Pathogenic for Neurodevelopmental disorder. Last evaluated: 2020-02-21. Review status: criteria provided, single submitter. Criteria: ACMG Guidelines, 2015. Collection method: clinical testing. Allele origin: germline. Affected: yes.

Institute of Human Genetics Munich, TUM University Hospital
Classification: Pathogenic for Pitt-Hopkins syndrome. Last evaluated: 2019-05-15. Review status: criteria provided, single submitter. Criteria: Classification criteria August 2017. Collection method: clinical testing. Allele origin: de novo. Inheritance: Autosomal dominant inheritance. Affected: yes. Observed: 1 heterozygote.

CENTOGENE GmbH and LLC - Guiding Precision Medicine
Classification: Pathogenic for Pitt-Hopkins syndrome. Last evaluated: 2019-02-11. Review status: criteria provided, single submitter. Criteria: ACMG Guidelines, 2015. Collection method: clinical testing. Allele origin: germline. Affected: yes.

Clinical Genetics and Genomics, Karolinska University Hospital
Classification: Pathogenic. Last evaluated: 2016-06-30. Review status: criteria provided, single submitter. Criteria: ACMG Guidelines, 2015. Collection method: clinical testing. Allele origin: germline. Affected: yes. Observed: 1 variant allele.

Eurofins Ntd Llc (ga)
Classification: Pathogenic. Last evaluated: 2016-06-28. Review status: criteria provided, single submitter. Criteria: EGL Classification Definitions 2015. Collection method: clinical testing. Allele origin: germline. Observed: 2 variant alleles, 2 heterozygotes.

Diagnostic Laboratory, Strasbourg University Hospital
Classification: Pathogenic for Intellectual disability. Last evaluated: 2014-07-25. Review status: criteria provided, single submitter. Criteria: submitter's publication. Collection method: clinical testing. Allele origin: de novo. Affected: yes. Observed: 1 variant allele, 1 heterozygote.

Literature cited by the submitters: PubMed 18728071 (cited by Labcorp Genetics (formerly Invitae), Labcorp); PubMed 22045651 (cited by Labcorp Genetics (formerly Invitae), Labcorp and Eurofins Ntd Llc (ga)).